The following is an entry in ClinVar:

ClinVar aggregate classification (germline): Uncertain significance (1 of 4 stars; one submission).

Conditions:
Dyskeratosis congenita, autosomal dominant 2. Identifiers: MedGen C3151443, MONDO:0013521, OMIM 613989.
Idiopathic Pulmonary Fibrosis. Also called: Idiopathic fibrosing alveolitis, chronic form; idiopathic fibrosing alveolitis. Identifiers: Orphanet 2032, MedGen C1800706, MeSH D054990, MONDO:0800504.

Submission:

Labcorp Genetics (formerly Invitae), Labcorp
Classification: Uncertain significance for Dyskeratosis congenita, autosomal dominant 2; Idiopathic Pulmonary Fibrosis. Last evaluated: 2023-04-19. Review status: criteria provided, single submitter. Criteria: Invitae Variant Classification Sherloc (09022015). Collection method: clinical testing. Allele origin: germline.
Comment: This variant has not been reported in the literature in individuals affected with TERT-related conditions. This variant is not present in population databases (gnomAD no frequency). This sequence change falls in intron 2 of the TERT gene. It does not directly change the encoded amino acid sequence of the TERT protein. Algorithms developed to predict the effect of sequence changes on RNA splicing suggest that this variant may disrupt the consensus splice site. In summary, the available evidence is currently insufficient to determine the role of this variant in disease. Therefore, it has been classified as a Variant of Uncertain Significance.

NM_198253.3(TERT):c.1574-6T>C

Gene: TERT (telomerase reverse transcriptase; minus strand). Cytogenetic location: 5p15.33.
Variant type: single nucleotide variant.
Coding change: c.1574-6T>C on transcript NM_198253.3 (MANE Select); 6 bases into the intron before coding-DNA position 1574, T replaced by C.
Molecular consequence: intron variant.
Genome position (GRCh38, 1-based): chr5:1,282,630, A>G on the plus strand (T>C on the coding strand, the complement: TERT is on the minus strand). VCF-style: chr5-1282630-A-G. GRCh37 (hg19) VCF-style: chr5-1282745-A-G.
Other names: c.1574-6T>C (NM_001193376.3).
Identifiers: ClinVar variation 2945064 (VCV002945064.3), dbSNP rs759995016, ClinGen allele CA3184804.